The following is an entry in ClinVar:

NM_001042545.2(LTBP4):c.1499G>A (p.Gly500Asp)

Gene: LTBP4 (latent transforming growth factor beta binding protein 4; plus strand). Cytogenetic location: 19q13.2.
Variant type: single nucleotide variant.
Coding change: c.1499G>A on transcript NM_001042545.2 (MANE Select); coding-DNA position 1499, G replaced by A.
Protein change: p.Gly500Asp; replaces glycine 500 with aspartic acid.
Molecular consequence: missense variant.
Genome position (GRCh38, 1-based): chr19:40,609,602, G>A. VCF-style: chr19-40609602-G-A. GRCh37 (hg19) VCF-style: chr19-41115508-G-A.
Other names: c.1700G>A, p.Gly567Asp (NM_001042544.1); c.1589G>A, p.Gly530Asp (NM_003573.2); short protein forms G500D, G530D, G567D.
Identifiers: ClinVar variation 1181568 (VCV001181568.5), dbSNP rs753330283, ClinGen allele CA9448335.
Genomic context (GRCh38, chr19:40,609,602, plus strand): 5'-GCATGTGTCAGCGCAACCCCCAGGTCTGCGGCCCAGGACGCTGCATTTCCCGGCCCAGCG[G>A]CTACACCTGCGCTTGCGACTCTGGCTTCCGGCTCAGCCCCCAGGGCACCCGATGCATTGG-3'
Protein context (NP_001036010.1, residues 490-510): GPGRCISRPS[Gly500Asp]YTCACDSGFR

ClinVar aggregate classification (germline): Uncertain significance. Review status: criteria provided, multiple submitters, no conflicts (2 of 4 stars). 2 submissions from 2 submitters: Uncertain significance (2). Last evaluated 2026-01-27.

Allele frequency attached by ClinVar (database versions not stated): gnomAD 0.00002; gnomAD exomes 0.00002 and 0.00004; TOPMed 0.00002.
gnomAD v4.1: 55 of 1,613,282 alleles (0.0034%); highest among the groups gnomAD compares: Non-Finnish European, 0.0044%; no homozygotes.

Submissions (2):

Labcorp Genetics (formerly Invitae), Labcorp
Classification: Uncertain significance. Last evaluated: 2026-01-27. Review status: criteria provided, single submitter. Criteria: Invitae Variant Classification Sherloc (09022015). Collection method: clinical testing. Allele origin: germline.
Comment: This sequence change replaces glycine, which is neutral and non-polar, with aspartic acid, which is acidic and polar, at codon 530 of the LTBP4 protein (p.Gly530Asp). This variant is present in population databases (rs753330283, gnomAD 0.004%). This variant has not been reported in the literature in individuals affected with LTBP4-related conditions. ClinVar contains an entry for this variant (Variation ID: 1181568). Experimental studies and prediction algorithms are not available or were not evaluated, and the functional significance of this variant is currently unknown. In summary, the available evidence is currently insufficient to determine the role of this variant in disease. Therefore, it has been classified as a Variant of Uncertain Significance.

GeneDx
Classification: Uncertain significance. Last evaluated: 2019-10-01. Review status: criteria provided, single submitter. Criteria: GeneDx Variant Classification Process June 2021. Collection method: clinical testing. Allele origin: germline. Affected: yes.
Comment: Has not been previously published as pathogenic or benign to our knowledge; Not observed at a significant frequency in large population cohorts (Lek et al., 2016); In silico analysis, which includes protein predictors and evolutionary conservation, supports a deleterious effect